The following is an entry in ClinVar:

ClinVar aggregate classification (germline): Uncertain significance. Review status: criteria provided, multiple submitters, no conflicts (2 of 4 stars). 4 submissions from 4 submitters: Uncertain significance (3). 1 of the submissions does not count toward it. Last evaluated 2024-04-16.

Conditions:
Hypertrophic cardiomyopathy 6. Identifiers: MedGen C1833236, MONDO:0010946, OMIM 600858.
Cardiomyopathy (CMYO). Also called: Cardiomyopathies. Identifiers: Orphanet 167848, MedGen C0878544, MONDO:0004994, HP:0001638. Inheritance: Various modes of inheritance.
Cardiovascular phenotype. Identifiers: MedGen CN230736.
Hypertrophic cardiomyopathy. Also called: HYPERTROPHIC MYOCARDIOPATHY. Identifiers: Orphanet 217569, MedGen C0007194, MeSH D002312, MONDO:0005045, HP:0001639.

Allele frequency attached by ClinVar (database versions not stated): gnomAD exomes below 0.00001.
gnomAD v4.1: 1 of 1,614,100 alleles (0.000062%); highest among the groups gnomAD compares: Non-Finnish European, 0.000085%; no homozygotes.

Submissions (4):

All of Us Research Program, National Institutes of Health
Classification: Uncertain significance for Hypertrophic cardiomyopathy. Last evaluated: 2024-04-16. Review status: criteria provided, single submitter. Criteria: ACMG Guidelines, 2015. Collection method: clinical testing. Allele origin: germline. Inheritance: Autosomal dominant inheritance. Observed: 1 variant allele, 1 heterozygote.
Comment: This missense variant replaces serine with cysteine at codon 131 of the PRKAG2 protein. Computational prediction suggests that this variant may not impact protein structure and function (internally defined REVEL score threshold <= 0.5, PMID: 27666373). To our knowledge, functional studies have not been reported for this variant. This variant has not been reported in individuals affected with PRKAG2-related disorders in the literature. This variant has not been identified in the general population by the Genome Aggregation Database (gnomAD). The available evidence is insufficient to determine the role of this variant in disease conclusively. Therefore, this variant is classified as a Variant of Uncertain Significance.

This study involves interpretation of variants in research participants for the purpose of population health screening. Participant phenotype was not available at the time of variant classification. Additional details can be found in publication PMID: 35346344, PMCID: PMC8962531

Color Diagnostics, LLC DBA Color Health
Classification: Uncertain significance for Cardiomyopathy. Last evaluated: 2024-03-07. Review status: criteria provided, single submitter. Criteria: ACMG Guidelines, 2015. Collection method: clinical testing. Allele origin: germline.
Comment: This missense variant replaces serine with cysteine at codon 131 of the PRKAG2 protein. Computational prediction suggests that this variant may not impact protein structure and function (internally defined REVEL score threshold <= 0.5, PMID: 27666373). To our knowledge, functional studies have not been reported for this variant. This variant has not been reported in individuals affected with PRKAG2-related disorders in the literature. This variant has not been identified in the general population by the Genome Aggregation Database (gnomAD). The available evidence is insufficient to determine the role of this variant in disease conclusively. Therefore, this variant is classified as a Variant of Uncertain Significance.

Ambry Genetics
Classification: Uncertain significance for Cardiovascular phenotype. Last evaluated: 2024-01-02. Review status: criteria provided, single submitter. Criteria: Ambry Variant Classification Scheme 2023. Collection method: clinical testing. Allele origin: germline.
Comment: The p.S131C variant (also known as c.392C>G), located in coding exon 3 of the PRKAG2 gene, results from a C to G substitution at nucleotide position 392. The serine at codon 131 is replaced by cysteine, an amino acid with dissimilar properties. This amino acid position is highly conserved in available vertebrate species. In addition, the in silico prediction for this alteration is inconclusive. Since supporting evidence is limited at this time, the clinical significance of this alteration remains unclear.

Institute of Human Genetics, University of Wuerzburg
Classification: Uncertain significance for Hypertrophic cardiomyopathy 6. Review status: no assertion criteria provided. Collection method: clinical testing. Allele origin: unknown. Affected: yes. Observed: 1 variant allele. Not counted in ClinVar's aggregate classification.

NM_016203.4(PRKAG2):c.392C>G (p.Ser131Cys)

Gene: PRKAG2 (protein kinase AMP-activated non-catalytic subunit gamma 2; minus strand). Cytogenetic location: 7q36.1.
Variant type: single nucleotide variant.
Coding change: c.392C>G on transcript NM_016203.4 (MANE Select); coding-DNA position 392, C replaced by G.
Protein change: p.Ser131Cys; replaces serine 131 with cysteine.
Molecular consequence: missense variant. On other transcripts: intron variant (1).
Genome position (GRCh38, 1-based): chr7:151,781,226, G>C on the plus strand (C>G on the coding strand, the complement: PRKAG2 is on the minus strand). VCF-style: chr7-151781226-G-C. GRCh37 (hg19) VCF-style: chr7-151478312-G-C.
Other names: c.392C>G (NM_016203.3); c.260C>G, p.Ser87Cys (NM_001040633.2, NM_001407024.1, NM_001407026.1 and 2 more transcripts); c.392C>G, p.Ser131Cys (NM_001407021.1, NM_001407022.1, NM_001407023.1 and 2 more transcripts); c.148+33190C>G (NM_001407032.1); short protein forms S131C, S87C.
Identifiers: ClinVar variation 2774173 (VCV002774173.5), dbSNP rs2537921670, ClinGen allele CA370069446.
Genomic context (GRCh38, chr7:151,781,226, plus strand): 5'-GAGAAAAACCTGATGCCCCCGGGCGAGGTAGCAGGGTTGGAGTTGGGGGAAGACTCTTTG[G>C]AGGAGGAGCGGAAGATCCCACTGAAGCTCATGCGTCGAGGGGAGCGTGGCGGGGACTCCT-3'
Protein context (NP_057287.2, residues 121-141): MSFSGIFRSS[Ser131Cys]KESSPNSNPA